The following is an entry in ClinVar:

NM_000444.6(PHEX):c.1196T>C (p.Leu399Ser)

Gene: PHEX (phosphate regulating endopeptidase X-linked; plus strand). Cytogenetic location: Xp22.11.
Variant type: single nucleotide variant.
Coding change: c.1196T>C on transcript NM_000444.6 (MANE Select); coding-DNA position 1196, T replaced by C.
Protein change: p.Leu399Ser; replaces leucine 399 with serine.
Molecular consequence: missense variant.
Genome position (GRCh38, 1-based): chrX:22,114,480, T>C. VCF-style: chrX-22114480-T-C. GRCh37 (hg19) VCF-style: chrX-22132598-T-C.
Other names: c.1196T>C, p.Leu399Ser (NM_001282754.2); short protein forms L399S.
Identifiers: ClinVar variation 2790073 (VCV002790073.4), dbSNP rs767652424, ClinGen allele CA10368201.

ClinVar aggregate classification (germline): Uncertain significance. Review status: criteria provided, multiple submitters, no conflicts (2 of 4 stars). 2 submissions from 2 submitters: Uncertain significance (2). Last evaluated 2022-12-30.

Conditions:
Familial X-linked hypophosphatemic vitamin D refractory rickets (XLHRD). Also called: X-Linked Hypophosphatemia; Hypophosphatemic Rickets, X-Linked Dominant; HYPOPHOSPHATEMIC VITAMIN D-RESISTANT RICKETS; Hypophosphatemia, vitamin D-resistant rickets; Vitamin D-resistant rickets, X-linked. Identifiers: Orphanet 89936, MedGen C0733682, MONDO:0010619, OMIM 307800.

Allele frequency attached by ClinVar (database versions not stated): gnomAD exomes below 0.00001; ExAC 0.00001.
gnomAD v4.1: 4 of 1,202,071 alleles (0.00033%); highest among the groups gnomAD compares: Non-Finnish European, 0.00045%; no homozygotes.

Submissions (2):

Labcorp Genetics (formerly Invitae), Labcorp
Classification: Uncertain significance. Last evaluated: 2022-12-30. Review status: criteria provided, single submitter. Criteria: Invitae Variant Classification Sherloc (09022015). Collection method: clinical testing. Allele origin: germline.
Comment: This sequence change replaces leucine, which is neutral and non-polar, with serine, which is neutral and polar, at codon 399 of the PHEX protein (p.Leu399Ser). This variant is not present in population databases (gnomAD no frequency). This variant has not been reported in the literature in individuals affected with PHEX-related conditions. Advanced modeling of protein sequence and biophysical properties (such as structural, functional, and spatial information, amino acid conservation, physicochemical variation, residue mobility, and thermodynamic stability) performed at Invitae indicates that this missense variant is expected to disrupt PHEX protein function. In summary, the available evidence is currently insufficient to determine the role of this variant in disease. Therefore, it has been classified as a Variant of Uncertain Significance.

Department of Pathology and Laboratory Medicine, Sinai Health System
Classification: Uncertain significance for Familial X-linked hypophosphatemic vitamin D refractory rickets. Last evaluated: 2021-07-30. Review status: criteria provided, single submitter. Criteria: ACMG Guidelines, 2015. Collection method: research. Allele origin: germline.